The following is an entry in ClinVar:

ClinVar aggregate classification (germline): Uncertain significance. Review status: criteria provided, multiple submitters, no conflicts (2 of 4 stars). 2 submissions from 2 submitters: Uncertain significance (2). Last evaluated 2023-09-01.

Conditions:
Hereditary cancer-predisposing syndrome. Also called: Tumor predisposition; Neoplastic Syndromes, Hereditary; Hereditary neoplastic syndrome; Hereditary Cancer Syndrome. Identifiers: Orphanet 140162, MedGen C0027672, MeSH D009386, MONDO:0015356.
Ataxia-telangiectasia syndrome (AT). Also called: Ataxia-telangiectasia, complementation group D; AT, COMPLEMENTATION GROUP C; ATAXIA-TELANGIECTASIA, COMPLEMENTATION GROUP A; ATAXIA-TELANGIECTASIA, FRESNO VARIANT; Ataxia-telangiectasia; Ataxia telangiectasia (A-T). Identifiers: Orphanet 100, MedGen C0004135, MONDO:0008840, OMIM 208900.

Submissions (2):

Ambry Genetics
Classification: Uncertain significance for Hereditary cancer-predisposing syndrome. Last evaluated: 2023-09-01. Review status: criteria provided, single submitter. Criteria: Ambry Variant Classification Scheme 2023. Collection method: clinical testing. Allele origin: germline.
Comment: The p.E2449G variant (also known as c.7346A>G), located in coding exon 49 of the ATM gene, results from an A to G substitution at nucleotide position 7346. The glutamic acid at codon 2449 is replaced by glycine, an amino acid with similar properties. This amino acid position is well conserved in available vertebrate species. In addition, the in silico prediction for this alteration is inconclusive. Since supporting evidence is limited at this time, the clinical significance of this alteration remains unclear.

Labcorp Genetics (formerly Invitae), Labcorp
Classification: Uncertain significance for Ataxia-telangiectasia syndrome. Last evaluated: 2020-12-03. Review status: criteria provided, single submitter. Criteria: Invitae Variant Classification Sherloc (09022015). Collection method: clinical testing. Allele origin: germline.
Comment: In summary, the available evidence is currently insufficient to determine the role of this variant in disease. Therefore, it has been classified as a Variant of Uncertain Significance. Algorithms developed to predict the effect of missense changes on protein structure and function are either unavailable or do not agree on the potential impact of this missense change (SIFT: "Tolerated"; PolyPhen-2: "Probably Damaging"; Align-GVGD: "Class C0"). This variant has not been reported in the literature in individuals with ATM-related conditions. This variant is not present in population databases (ExAC no frequency). This sequence change replaces glutamic acid with glycine at codon 2449 of the ATM protein (p.Glu2449Gly). The glutamic acid residue is moderately conserved and there is a moderate physicochemical difference between glutamic acid and glycine.

NM_000051.4(ATM):c.7346A>G (p.Glu2449Gly)

Genes: ATM (ATM serine/threonine kinase; plus strand), C11orf65 (chromosome 11 open reading frame 65; minus strand). Cytogenetic location: 11q22.3.
Variant type: single nucleotide variant.
Coding change: c.7346A>G on transcript NM_000051.4 (MANE Select); coding-DNA position 7346, A replaced by G.
Protein change: p.Glu2449Gly; replaces glutamic acid 2449 with glycine.
Molecular consequence: missense variant. On other transcripts: intron variant (2).
Genome position (GRCh38, 1-based): chr11:108,330,252, A>G. VCF-style: chr11-108330252-A-G. GRCh37 (hg19) VCF-style: chr11-108200979-A-G.
Other names: c.7346A>G, p.Glu2449Gly (NM_001351834.2); c.641-21181T>C (NM_001330368.2); c.*38+4968T>C (NM_001351110.2); short protein forms E2449G.
Identifiers: ClinVar variation 1000625 (VCV001000625.10), dbSNP rs1555123004, ClinGen allele CA382559935.